The following continues an entry in ClinVar:

NM_138691.3(TMC1):c.100C>T (p.Arg34Ter)

Gene: TMC1. ClinVar aggregate classification (germline): Pathogenic. Pathogenic (14).

Submissions 13 to 20 of 20:

Laboratory for Molecular Medicine, Mass General Brigham Personalized Medicine
Classification: Pathogenic for Rare genetic deafness. Last evaluated: 2012-03-13. Review status: criteria provided, single submitter. Criteria: LMM Criteria. Collection method: clinical testing. Allele origin: germline. Inheritance: Autosomal recessive inheritance. Observed: 7 variant alleles.
Comment: The p.Arg34X variant in TMC1 has been reported in more than 23 probands with sen sorineural hearing loss (Kurima 2002, Ben Said 2010, Sirmaci 2009, Kitajiri 2007 , Shafique 2014). Most of these probands, as well as their affected relatives, w ere homozygous for the variant. The p.Arg34X variant has also been identified in 4/15682 South Asian chromosomes by the Exome Aggregation Consortium (ExAC; dbSNP rs121908073). Although this variant has been s een in the general population, its frequency is low enough to be consistent with a recessive carrier frequency. Animal models in mice have shown that loss of TM C1 function causes an auditory phenotype (Kurima 2002). This nonsense variant le ads to a premature termination codon at position 34, which is predicted to lead to a truncated or absent protein. In summary, the p.Arg34X variant meets our cri teria to be classified as pathogenic for hearing loss in an autosomal recessive manner.

Juno Genomics, Hangzhou Juno Genomics, Inc
Classification: Pathogenic for Autosomal dominant nonsyndromic hearing loss 36; Autosomal recessive nonsyndromic hearing loss 7. Review status: criteria provided, single submitter. Criteria: ACMG Guidelines, 2015. Collection method: clinical testing. Allele origin: germline.
Comment: Absent from controls (or at extremely low frequency if recessive) in Genome Aggregation Database.;Null variant in a gene where loss of function (LOF) is a known mechanism of disease.;For recessive disorders, detected in trans with a pathogenic variant.;Co-segregation with disease in multiple affected family members.

Clinical Laboratory Sciences Program (CLSP), King Saud bin Abdulaziz University for Health Sciences (KSAU-HS)
Classification: Pathogenic for Autosomal recessive nonsyndromic hearing loss 7. Last evaluated: 2023-04-01. Review status: no assertion criteria provided. Collection method: clinical testing. Allele origin: germline. Affected: yes. Not counted in ClinVar's aggregate classification.

Genetic Testing Center for Deafness, Department of Otolaryngology Head & Neck Surgery, Institute of Otolaryngology, Chinese PLA General Hospital
Classification: Pathogenic for Autosomal recessive nonsyndromic hearing loss 7. Last evaluated: 2019-02-26. Review status: no assertion criteria provided. Collection method: case-control. Allele origin: inherited. Affected: yes. Observed: 2 variant alleles. Not counted in ClinVar's aggregate classification.

Hereditary Research Laboratory, Bethlehem University
Classification: Pathogenic for Autosomal recessive nonsyndromic hearing loss 7. Last evaluated: 2016-06-04. Review status: no assertion criteria provided. Collection method: research. Allele origin: germline. Affected: yes. Not counted in ClinVar's aggregate classification.
Comment: FA3 moderate HL at 6y; FA4 profound at 18m

Knight Diagnostic Laboratories, Oregon Health and Sciences University
Classification: Pathogenic for Deafness, autosomal recessive 7. Last evaluated: 2014-10-24. Review status: no assertion criteria provided. Criteria: ACMG Guidelines, 2007. Collection method: clinical testing. Allele origin: germline. Inheritance: Autosomal recessive inheritance. Affected: no. Not counted in ClinVar's aggregate classification.

OMIM
Classification: Pathogenic for DEAFNESS, AUTOSOMAL RECESSIVE 7. Last evaluated: 2007-12-01. Review status: no assertion criteria provided. Collection method: literature only. Allele origin: germline. Not counted in ClinVar's aggregate classification.

University of Washington Center for Mendelian Genomics, University of Washington
Classification: Likely pathogenic for non-syndromic autosomal recessive hearing loss. Review status: no assertion criteria provided. Collection method: research. Allele origin: inherited. Affected: yes. Not counted in ClinVar's aggregate classification.

Literature cited by the submitters: PubMed 41231290 (cited by Institute of Rare Diseases, West China Hospital, Sichuan University and ENT and Head and Neck Research Center and Department,  The Five Senses Health Institute, Iran University of Medical Sciences); PubMed 11850618 (cited by 6 submitters); PubMed 22105175 (cited by Institute of Rare Diseases, West China Hospital, Sichuan University and Labcorp Genetics (formerly Invitae), Labcorp); PubMed 34523024 (cited by Institute of Rare Diseases, West China Hospital, Sichuan University and Victorian Clinical Genetics Services, Murdoch Childrens Research Institute); PubMed 17877751 (cited by 3 submitters); PubMed 31854501 (cited by Labcorp Genetics (formerly Invitae), Labcorp); PubMed 25074487 (cited by Victorian Clinical Genetics Services, Murdoch Childrens Research Institute); PubMed 20373850 (cited by Laboratory for Molecular Medicine, Mass General Brigham Personalized Medicine); PubMed 19187973 (cited by Laboratory for Molecular Medicine, Mass General Brigham Personalized Medicine); PubMed 24949729 (cited by Laboratory for Molecular Medicine, Mass General Brigham Personalized Medicine); PubMed 30303587 (cited by University of Washington Center for Mendelian Genomics, University of Washington).